The following is an entry in ClinVar:

NM_001330701.2(AGTPBP1):c.1337T>C (p.Phe446Ser)

Gene: AGTPBP1 (ATP/GTP binding carboxypeptidase 1; minus strand). Cytogenetic location: 9q21.33.
Variant type: single nucleotide variant.
Coding change: c.1337T>C on transcript NM_001330701.2 (MANE Select); coding-DNA position 1337, T replaced by C.
Protein change: p.Phe446Ser; replaces phenylalanine 446 with serine.
Molecular consequence: missense variant.
Genome position (GRCh38, 1-based): chr9:85,633,340, A>G on the plus strand (T>C on the coding strand, the complement: AGTPBP1 is on the minus strand). VCF-style: chr9-85633340-A-G. GRCh37 (hg19) VCF-style: chr9-88248255-A-G.
Other names: c.1493T>C, p.Phe498Ser (NM_001286715.1); c.1373T>C, p.Phe458Ser (NM_001286717.1); c.1217T>C, p.Phe406Ser (NM_015239.3); short protein forms F406S, F446S, F458S, F498S.
Identifiers: ClinVar variation 4075556 (VCV004075556.1).

ClinVar aggregate classification (germline): Uncertain significance (1 of 4 stars; one submission).

gnomAD v4.1: 1 of 1,591,840 alleles (0.000063%); highest among the groups gnomAD compares: Middle Eastern, 0.017%; no homozygotes.

Submission:

GeneDx
Classification: Uncertain significance. Last evaluated: 2025-02-11. Review status: criteria provided, single submitter. Criteria: GeneDx Variant Classification Process June 2021. Collection method: clinical testing. Allele origin: germline. Affected: yes.
Comment: Not observed at significant frequency in large population cohorts (gnomAD); In silico analysis indicates that this missense variant does not alter protein structure/function; Has not been previously published as pathogenic or benign to our knowledge